The following is an entry in ClinVar:

ClinVar aggregate classification (germline): Uncertain significance (1 of 4 stars; one submission).

Submission:

Ambry Genetics
Classification: Uncertain significance. Last evaluated: 2024-01-01. Review status: criteria provided, single submitter. Criteria: Ambry Variant Classification Scheme 2023. Collection method: clinical testing. Allele origin: germline.
Comment: The p.Q463P variant (also known as c.1388A>C), located in coding exon 10 of the RINT1 gene, results from an A to C substitution at nucleotide position 1388. The glutamine at codon 463 is replaced by proline, an amino acid with similar properties. This amino acid position is conserved. In addition, the in silico prediction for this alteration is inconclusive. Since supporting evidence is limited at this time, the clinical significance of this alteration remains unclear.

NM_021930.6(RINT1):c.1388A>C (p.Gln463Pro)

Gene: RINT1 (RAD50 interactor 1; plus strand). Cytogenetic location: 7q22.3.
Variant type: single nucleotide variant.
Coding change: c.1388A>C on transcript NM_021930.6 (MANE Select); coding-DNA position 1388, A replaced by C.
Protein change: p.Gln463Pro; replaces glutamine 463 with proline.
Molecular consequence: missense variant. On other transcripts: non-coding transcript variant (1).
Genome position (GRCh38, 1-based): chr7:105,551,624, A>C. VCF-style: chr7-105551624-A-C. GRCh37 (hg19) VCF-style: chr7-105192071-A-C.
Other names: c.1154A>C, p.Gln385Pro (NM_001346599.2); c.365A>C, p.Gln122Pro (NM_001346600.2, NM_001346603.2); c.464A>C, p.Gln155Pro (NM_001346601.2); short protein forms Q122P, Q155P, Q385P, Q463P.
Identifiers: ClinVar variation 3227601 (VCV003227601.1), dbSNP rs2485137085, ClinGen allele CA368810001.